The following is an entry in ClinVar:

NM_176787.5(PIGN):c.736A>T (p.Asn246Tyr)

Gene: PIGN (phosphatidylinositol glycan anchor biosynthesis class N; minus strand). Cytogenetic location: 18q21.33.
Variant type: single nucleotide variant.
Coding change: c.736A>T on transcript NM_176787.5 (MANE Select); coding-DNA position 736, A replaced by T.
Protein change: p.Asn246Tyr; replaces asparagine 246 with tyrosine.
Molecular consequence: missense variant.
Genome position (GRCh38, 1-based): chr18:62,147,040, T>A on the plus strand (A>T on the coding strand, the complement: PIGN is on the minus strand). VCF-style: chr18-62147040-T-A. GRCh37 (hg19) VCF-style: chr18-59814273-T-A.
Other names: c.736A>T, p.Asn246Tyr (NM_012327.6); c.736A>T (NM_176787.4); short protein forms N246Y.
Identifiers: ClinVar variation 1515811 (VCV001515811.6), dbSNP rs371787045, ClinGen allele CA8982515.

ClinVar aggregate classification (germline): Uncertain significance. Review status: criteria provided, multiple submitters, no conflicts (2 of 4 stars). 2 submissions from 2 submitters: Uncertain significance (2). Last evaluated 2022-08-09.

Conditions:
Multiple congenital anomalies-hypotonia-seizures syndrome 1 (MCAHS1). Also called: PIGN-CDG; Congenital disorder of glycosylation due to PIGN deficiency; GLYCOSYLPHOSPHATIDYLINOSITOL BIOSYNTHESIS DEFECT 3. Identifiers: Orphanet 280633, MedGen C3279775, MONDO:0013563, OMIM 614080.
Inborn genetic diseases. Identifiers: MedGen C0950123, MeSH D030342.

Allele frequency attached by ClinVar (database versions not stated): gnomAD exomes 0.00002 and 0.00004; TOPMed 0.00003; ExAC 0.00007; ESP Exome Variant Server 0.00008.
gnomAD v4.1: 33 of 1,610,480 alleles (0.002%); highest among the groups gnomAD compares: Middle Eastern, 0.017%; no homozygotes.

Submissions (2):

Labcorp Genetics (formerly Invitae), Labcorp
Classification: Uncertain significance for Multiple congenital anomalies-hypotonia-seizures syndrome 1. Last evaluated: 2022-08-09. Review status: criteria provided, single submitter. Criteria: Invitae Variant Classification Sherloc (09022015). Collection method: clinical testing. Allele origin: germline.
Comment: This sequence change replaces asparagine, which is neutral and polar, with tyrosine, which is neutral and polar, at codon 246 of the PIGN protein (p.Asn246Tyr). This variant is present in population databases (rs371787045, gnomAD 0.01%). This variant has not been reported in the literature in individuals affected with PIGN-related conditions. ClinVar contains an entry for this variant (Variation ID: 1515811). Algorithms developed to predict the effect of missense changes on protein structure and function are either unavailable or do not agree on the potential impact of this missense change (SIFT: "Deleterious"; PolyPhen-2: "Benign"; Align-GVGD: "Class C15"). In summary, the available evidence is currently insufficient to determine the role of this variant in disease. Therefore, it has been classified as a Variant of Uncertain Significance.

Ambry Genetics
Classification: Uncertain significance for Inborn genetic diseases. Last evaluated: 2021-08-12. Review status: criteria provided, single submitter. Criteria: Ambry Variant Classification Scheme 2023. Collection method: clinical testing. Allele origin: germline.